The following is an entry in ClinVar:

ClinVar aggregate classification (germline): Uncertain significance (1 of 4 stars; one submission).

Conditions:
Malignant hyperthermia, susceptibility to, 5 (MHS5). Also called: CACNA1S-Related Malignant Hyperthermia Susceptibility. Identifiers: Orphanet 423, MedGen C1866077, MONDO:0011163, OMIM 601887.

gnomAD v4.1: 1 of 1,614,152 alleles (0.000062%); highest among the groups gnomAD compares: Admixed American, 0.0017%; no homozygotes.

Submission:

All of Us Research Program, National Institutes of Health
Classification: Uncertain significance for Malignant hyperthermia, susceptibility to, 5. Last evaluated: 2024-04-25. Review status: criteria provided, single submitter. Criteria: ACMG Guidelines, 2015. Collection method: clinical testing. Allele origin: germline. Inheritance: Autosomal dominant inheritance. Observed: 1 variant allele, 1 heterozygote.
Comment: This missense variant replaces isoleucine with phenylalanine at codon 105 of the CACNA1S protein. Computational prediction suggests that this variant may have deleterious impact on protein structure and function. To our knowledge, functional studies have not been reported for this variant. This variant has not been reported in individuals affected with CACNA1S-related disorders in the literature. This variant has not been identified in the general population by the Genome Aggregation Database (gnomAD). The available evidence is insufficient to determine the role of this variant in disease conclusively. Therefore, this variant is classified as a Variant of Uncertain Significance.

This study involves interpretation of variants in research participants for the purpose of population health screening. Participant phenotype was not available at the time of variant classification. Additional details can be found in publication PMID: 35346344, PMCID: PMC8962531

NM_000069.3(CACNA1S):c.313A>T (p.Ile105Phe)

Gene: CACNA1S (calcium voltage-gated channel subunit alpha1 S; minus strand). Cytogenetic location: 1q32.1.
Variant type: single nucleotide variant.
Coding change: c.313A>T on transcript NM_000069.3 (MANE Select); coding-DNA position 313, A replaced by T.
Protein change: p.Ile105Phe; replaces isoleucine 105 with phenylalanine.
Molecular consequence: missense variant.
Genome position (GRCh38, 1-based): chr1:201,093,967, T>A on the plus strand (A>T on the coding strand, the complement: CACNA1S is on the minus strand). VCF-style: chr1-201093967-T-A. GRCh37 (hg19) VCF-style: chr1-201063095-T-A.
Other names: short protein forms I105F.
Identifiers: ClinVar variation 3386406 (VCV003386406.1).
Genomic context (GRCh38, chr1:201,093,967, plus strand): 5'-GCACATTCCAGCCACTGCGCAGGTAAGCGTCCTGGTGGAATAAGAAGCCGTAGGCAATGA[T>A]CTTCATGGCGGCTTCAATCGAGAAGACAATGAGGAAGAAATACTCCAGCTTCTCCTGTGG-3'
Protein context (NP_000060.2, residues 95-115): IVFSIEAAMK[Ile105Phe]IAYGFLFHQD